The following is an entry in ClinVar:

ClinVar aggregate classification (germline): Conflicting classifications of pathogenicity. Review status: criteria provided, conflicting classifications (1 of 4 stars). 3 submissions from 3 submitters: Uncertain significance (2); Likely benign (1). Last evaluated 2025-04-17.

Allele frequency attached by ClinVar (database versions not stated): ExAC 0.00003; gnomAD 0.00003; TOPMed 0.00003; gnomAD exomes 0.00004 and 0.00005.
gnomAD v4.1: 63 of 1,614,006 alleles (0.0039%); highest among the groups gnomAD compares: Admixed American, 0.01%; no homozygotes.

Submissions (3):

Ambry Genetics
Classification: Likely benign. Last evaluated: 2025-04-17. Review status: criteria provided, single submitter. Criteria: Ambry Variant Classification Scheme 2023. Collection method: clinical testing. Allele origin: germline.

Labcorp Genetics (formerly Invitae), Labcorp
Classification: Uncertain significance. Last evaluated: 2023-01-22. Review status: criteria provided, single submitter. Criteria: Invitae Variant Classification Sherloc (09022015). Collection method: clinical testing. Allele origin: germline.
Comment: In summary, the available evidence is currently insufficient to determine the role of this variant in disease. Therefore, it has been classified as a Variant of Uncertain Significance. Advanced modeling of protein sequence and biophysical properties (such as structural, functional, and spatial information, amino acid conservation, physicochemical variation, residue mobility, and thermodynamic stability) performed at Invitae indicates that this missense variant is expected to disrupt KANK1 protein function. ClinVar contains an entry for this variant (Variation ID: 290388). This variant has not been reported in the literature in individuals affected with KANK1-related conditions. This variant is present in population databases (rs542053876, gnomAD 0.01%). This sequence change replaces glutamic acid, which is acidic and polar, with lysine, which is basic and polar, at codon 473 of the KANK1 protein (p.Glu473Lys).

Eurofins Ntd Llc (ga)
Classification: Uncertain significance. Last evaluated: 2016-08-17. Review status: criteria provided, single submitter. Criteria: EGL Classification Definitions 2015. Collection method: clinical testing. Allele origin: germline. Observed: 1 variant allele, 1 heterozygote.

NM_015158.5(KANK1):c.1417G>A (p.Glu473Lys)

Gene: KANK1 (KN motif and ankyrin repeat domains 1; plus strand). Cytogenetic location: 9p24.3.
Variant type: single nucleotide variant.
Coding change: c.1417G>A on transcript NM_015158.5 (MANE Select); coding-DNA position 1417, G replaced by A.
Protein change: p.Glu473Lys; replaces glutamic acid 473 with lysine.
Molecular consequence: missense variant. On other transcripts: non-coding transcript variant (1).
Genome position (GRCh38, 1-based): chr9:712,183, G>A. VCF-style: chr9-712183-G-A. GRCh37 (hg19) VCF-style: chr9-712183-G-A.
Other names: c.1417G>A (NM_015158.2); c.1417G>A, p.Glu473Lys (NM_001256876.3, NM_001256877.3, NM_001354331.2 and 2 more transcripts); c.943G>A, p.Glu315Lys (NM_001354333.2, NM_001354335.2, NM_001354336.2 and 9 more transcripts); short protein forms E473K, E315K.
Identifiers: ClinVar variation 290388 (VCV000290388.10), dbSNP rs542053876, ClinGen allele CA4960222.